The following is an entry in ClinVar:

ClinVar aggregate classification (germline): Uncertain significance (1 of 4 stars; one submission).

Conditions:
Developmental and epileptic encephalopathy, 53. Also called: Epileptic encephalopathy, early infantile, 53. Identifiers: MedGen C4479313, MONDO:0033362, OMIM 617389.
Early-onset Parkinson disease 20. Also called: PARKINSON DISEASE 20, AUTOSOMAL RECESSIVE EARLY-ONSET. Identifiers: Orphanet 391411, MedGen C3809824, MONDO:0014233, OMIM 615530.

Allele frequency attached by ClinVar (database versions not stated): gnomAD exomes below 0.00001; TOPMed below 0.00001.
gnomAD v4.1: 1 of 1,614,200 alleles (0.000062%); highest among the groups gnomAD compares: Admixed American, 0.0017%; no homozygotes.

Submission:

Labcorp Genetics (formerly Invitae), Labcorp
Classification: Uncertain significance for Developmental and epileptic encephalopathy, 53; Early-onset Parkinson disease 20. Last evaluated: 2022-07-05. Review status: criteria provided, single submitter. Criteria: Invitae Variant Classification Sherloc (09022015). Collection method: clinical testing. Allele origin: germline.
Comment: In summary, the available evidence is currently insufficient to determine the role of this variant in disease. Therefore, it has been classified as a Variant of Uncertain Significance. Algorithms developed to predict the effect of missense changes on protein structure and function are either unavailable or do not agree on the potential impact of this missense change (SIFT: "Deleterious"; PolyPhen-2: "Probably Damaging"; Align-GVGD: "Class C0"). ClinVar contains an entry for this variant (Variation ID: 1361858). This variant has not been reported in the literature in individuals affected with SYNJ1-related conditions. This variant is present in population databases (no rsID available, gnomAD 0.003%). This sequence change replaces threonine, which is neutral and polar, with isoleucine, which is neutral and non-polar, at codon 1522 of the SYNJ1 protein (p.Thr1522Ile).

NM_203446.3(SYNJ1):c.*536C>T

Gene: SYNJ1 (synaptojanin 1; minus strand). Cytogenetic location: 21q22.11.
Variant type: single nucleotide variant.
Coding change: c.*536C>T on transcript NM_203446.3 (MANE Select); 536 bases downstream of the stop codon, C replaced by T.
Molecular consequence: 3 prime UTR variant. On other transcripts: missense variant (2).
Genome position (GRCh38, 1-based): chr21:32,631,269, G>A on the plus strand (C>T on the coding strand, the complement: SYNJ1 is on the minus strand). VCF-style: chr21-32631269-G-A. GRCh37 (hg19) VCF-style: chr21-34003579-G-A.
Other names: c.*536C>T (NM_001160302.2); c.4307C>T, p.Thr1436Ile (NM_001160306.2); c.4565C>T, p.Thr1522Ile (NM_003895.4); short protein forms T1436I, T1522I.
Identifiers: ClinVar variation 1361858 (VCV001361858.8), dbSNP rs1173883015, ClinGen allele CA410081389.